The following is an entry in ClinVar:

ClinVar aggregate classification (germline): Conflicting classifications of pathogenicity. Review status: criteria provided, conflicting classifications (1 of 4 stars). 5 submissions from 5 submitters: Uncertain significance (2); Likely benign (1). 2 of the submissions do not count toward it. Last evaluated 2025-11-17.

Conditions:
Familial focal epilepsy with variable foci (FPEVF). Identifiers: Orphanet 98820, MedGen C1858477, MONDO:0020310.
Inborn genetic diseases. Identifiers: MedGen C0950123, MeSH D030342.

Allele frequency attached by ClinVar (database versions not stated): TOPMed 0.00006; gnomAD exomes 0.00012 and 0.00004; gnomAD 0.00003; ExAC 0.00004.
gnomAD v4.1: 65 of 1,613,924 alleles (0.004%); highest among the groups gnomAD compares: Admixed American, 0.07%; no homozygotes.

Submissions (5):

Labcorp Genetics (formerly Invitae), Labcorp
Classification: Uncertain significance for Familial focal epilepsy with variable foci. Last evaluated: 2025-11-17. Review status: criteria provided, single submitter. Criteria: Invitae Variant Classification Sherloc (09022015). Collection method: clinical testing. Allele origin: germline.
Comment: This sequence change replaces histidine, which is basic and polar, with glutamine, which is neutral and polar, at codon 670 of the DEPDC5 protein (p.His670Gln). This variant is present in population databases (rs752274547, gnomAD 0.07%). This variant has not been reported in the literature in individuals affected with DEPDC5-related conditions. ClinVar contains an entry for this variant (Variation ID: 566053). Experimental studies and prediction algorithms are not available or were not evaluated, and the functional significance of this variant is currently unknown. In summary, the available evidence is currently insufficient to determine the role of this variant in disease. Therefore, it has been classified as a Variant of Uncertain Significance.

Ambry Genetics
Classification: Likely benign for Inborn genetic diseases. Last evaluated: 2023-08-14. Review status: criteria provided, single submitter. Criteria: Ambry Variant Classification Scheme 2023. Collection method: clinical testing. Allele origin: germline.

Revvity Omics, Revvity
Classification: Uncertain significance. Last evaluated: 2021-07-02. Review status: criteria provided, single submitter. Criteria: ACMG Guidelines, 2015. Collection method: clinical testing. Allele origin: germline.

Clinical Genetics DNA and cytogenetics Diagnostics Lab, Erasmus MC, Erasmus Medical Center
Classification: Likely benign. Review status: no assertion criteria provided. Collection method: clinical testing. Allele origin: germline. Affected: yes. Study: VKGL Data-share Consensus. Not counted in ClinVar's aggregate classification.

Joint Genome Diagnostic Labs from Nijmegen and Maastricht, Radboudumc and MUMC+
Classification: Likely benign. Review status: no assertion criteria provided. Collection method: clinical testing. Allele origin: germline. Affected: yes. Study: VKGL Data-share Consensus. Not counted in ClinVar's aggregate classification.

NM_001242896.3(DEPDC5):c.2010C>A (p.His670Gln)

Gene: DEPDC5 (DEP domain containing 5, GATOR1 subcomplex subunit; plus strand). Cytogenetic location: 22q12.3.
Variant type: single nucleotide variant.
Coding change: c.2010C>A on transcript NM_001242896.3 (MANE Select); coding-DNA position 2010, C replaced by A.
Protein change: p.His670Gln; replaces histidine 670 with glutamine.
Molecular consequence: missense variant. On other transcripts: non-coding transcript variant (4), intron variant (3).
Genome position (GRCh38, 1-based): chr22:31,822,696, C>A. VCF-style: chr22-31822696-C-A. GRCh37 (hg19) VCF-style: chr22-32218682-C-A.
Other names: c.2010C>A, p.His670Gln (NM_001136029.4, NM_001363852.2, NM_001364318.2 and 3 more transcripts); c.1926C>A, p.His642Gln (NM_001369901.1, NM_001369902.1); c.1870+3471C>A (NM_001363854.2, NM_001242897.2, NM_001364319.2); short protein forms H670Q, H642Q.
Identifiers: ClinVar variation 566053 (VCV000566053.17), dbSNP rs752274547, ClinGen allele CA10196541.